The following is an entry in ClinVar:

ClinVar aggregate classification (germline): Likely benign. Review status: criteria provided, multiple submitters, no conflicts (2 of 4 stars). 4 submissions from 4 submitters: Likely benign (4). Last evaluated 2025-03-10.

Conditions:
Developmental and epileptic encephalopathy, 31A. Also called: Epileptic encephalopathy, early infantile, 31; Developmental and epileptic encephalopathy, 31. Identifiers: Orphanet 2382, MedGen C4225357, MONDO:0014598, OMIM 616346.
Inborn genetic diseases. Identifiers: MedGen C0950123, MeSH D030342.

Allele frequency attached by ClinVar (database versions not stated): gnomAD 0.00001; gnomAD exomes 0.00001 and 0.00002; TOPMed 0.00002.
gnomAD v4.1: 26 of 1,604,374 alleles (0.0016%); highest among the groups gnomAD compares: East Asian, 0.0022%; no homozygotes.

Submissions (4):

Labcorp Genetics (formerly Invitae), Labcorp
Classification: Likely benign for Developmental and epileptic encephalopathy, 31A. Last evaluated: 2025-03-10. Review status: criteria provided, single submitter. Criteria: Invitae Variant Classification Sherloc (09022015). Collection method: clinical testing. Allele origin: germline.

Fulgent Genetics
Classification: Likely benign for Developmental and epileptic encephalopathy, 31A. Last evaluated: 2022-04-24. Review status: criteria provided, single submitter. Criteria: ACMG Guidelines, 2015. Collection method: clinical testing. Allele origin: unknown.

Ambry Genetics
Classification: Likely benign for Inborn genetic diseases. Last evaluated: 2018-04-02. Review status: criteria provided, single submitter. Criteria: Ambry Variant Classification Scheme 2023. Collection method: clinical testing. Allele origin: germline.

GeneDx
Classification: Likely benign. Last evaluated: 2017-05-18. Review status: criteria provided, single submitter. Criteria: GeneDx Variant Classification (06012015). Collection method: clinical testing. Allele origin: germline. Affected: yes.
Comment: This variant is considered likely benign or benign based on one or more of the following criteria: it is a conservative change, it occurs at a poorly conserved position in the protein, it is predicted to be benign by multiple in silico algorithms, and/or has population frequency not consistent with disease.

NM_004408.4(DNM1):c.633C>T (p.Asp211=)

Gene: DNM1 (dynamin 1; plus strand). Cytogenetic location: 9q34.11.
Variant type: single nucleotide variant.
Coding change: c.633C>T on transcript NM_004408.4 (MANE Select); coding-DNA position 633, C replaced by T.
Protein change: p.Asp211=; no amino-acid change (aspartic acid 211 retained).
Molecular consequence: synonymous variant.
Genome position (GRCh38, 1-based): chr9:128,220,031, C>T. VCF-style: chr9-128220031-C-T. GRCh37 (hg19) VCF-style: chr9-130982310-C-T.
Other names: c.633C>T, p.Asp211= (NM_001005336.3, NM_001288737.2, NM_001288738.2 and 1 more transcripts).
Identifiers: ClinVar variation 509561 (VCV000509561.13), dbSNP rs1043525791, ClinGen allele CA200347904.